The following is an entry in ClinVar:

ClinVar aggregate classification (germline): Pathogenic (1 of 4 stars; one submission).

Conditions:
Retinoblastoma (RB1). Also called: RETINOBLASTOMA, SOMATIC. Identifiers: Orphanet 790, MedGen C0035335, MeSH D012175, MONDO:0008380, OMIM 180200, HP:0009919. Disease mechanism: loss of function. Inheritance: Both sporadic and heritable forms are tested..

Submission:

Labcorp Genetics (formerly Invitae), Labcorp
Classification: Pathogenic for Retinoblastoma. Last evaluated: 2024-08-13. Review status: criteria provided, single submitter. Criteria: Invitae Variant Classification Sherloc (09022015). Collection method: clinical testing. Allele origin: germline.
Comment: This sequence change creates a premature translational stop signal (p.Asp286*) in the RB1 gene. It is expected to result in an absent or disrupted protein product. Loss-of-function variants in RB1 are known to be pathogenic (PMID: 17096365). This variant is not present in population databases (gnomAD no frequency). This premature translational stop signal has been observed in individual(s) with retinoblastoma (PMID: 25424699). For these reasons, this variant has been classified as Pathogenic.

Literature cited by the submitters: PubMed 17096365; PubMed 25424699.

NM_000321.3(RB1):c.854_855dup (p.Asp286Ter)

Gene: RB1 (RB transcriptional corepressor 1; plus strand). Cytogenetic location: 13q14.2.
Variant type: Microsatellite.
Coding change: c.854_855dup on transcript NM_000321.3 (MANE Select); coding-DNA positions 854 to 855, 2 bases duplicated (TA; older notation c.854_855dupTA).
Protein change: p.Asp286Ter; replaces aspartic acid 286 with a stop codon.
Molecular consequence: nonsense.
Genome position (GRCh38, 1-based): chr13:48,362,950-48,362,951, TA duplicated; duplicating any 2 consecutive bases within chr13:48,362,947-48,362,951 gives the same sequence; the c. name uses the placement nearest the transcript's 3' end. VCF-style (leftmost placement, unchanged base first): chr13-48362946-A-AAT. GRCh37 (hg19) VCF-style: chr13-48937082-A-AAT.
Other names: c.854_855dup, p.Asp286Ter (NM_001407165.1, NM_001407166.1); short protein forms D286*.
Identifiers: ClinVar variation 3721298 (VCV003721298.2).